The following is an entry in ClinVar:

ClinVar aggregate classification (germline): Uncertain significance (1 of 4 stars; one submission).

gnomAD v4.1: 1 of 1,613,638 alleles (0.000062%); highest among the groups gnomAD compares: Non-Finnish European, 0.000085%; no homozygotes.

Submission:

Labcorp Genetics (formerly Invitae), Labcorp
Classification: Uncertain significance. Last evaluated: 2023-09-19. Review status: criteria provided, single submitter. Criteria: Invitae Variant Classification Sherloc (09022015). Collection method: clinical testing. Allele origin: germline.
Comment: In summary, the available evidence is currently insufficient to determine the role of this variant in disease. Therefore, it has been classified as a Variant of Uncertain Significance. Advanced modeling of protein sequence and biophysical properties (such as structural, functional, and spatial information, amino acid conservation, physicochemical variation, residue mobility, and thermodynamic stability) performed at Invitae indicates that this missense variant is not expected to disrupt CACNA1D protein function. This variant has not been reported in the literature in individuals affected with CACNA1D-related conditions. This variant is present in population databases (rs185924781, gnomAD 0.0009%). This sequence change replaces arginine, which is basic and polar, with glycine, which is neutral and non-polar, at codon 1063 of the CACNA1D protein (p.Arg1063Gly).

NM_001128840.3(CACNA1D):c.3127C>G (p.Arg1043Gly)

Gene: CACNA1D (calcium voltage-gated channel subunit alpha1 D; plus strand). Cytogenetic location: 3p21.1.
Variant type: single nucleotide variant.
Coding change: c.3127C>G on transcript NM_001128840.3 (MANE Select); coding-DNA position 3127, C replaced by G.
Protein change: p.Arg1043Gly; replaces arginine 1043 with glycine.
Molecular consequence: missense variant.
Genome position (GRCh38, 1-based): chr3:53,745,835, C>G. VCF-style: chr3-53745835-C-G. GRCh37 (hg19) VCF-style: chr3-53779862-C-G.
Other names: c.3187C>G, p.Arg1063Gly (NM_000720.4); c.3127C>G, p.Arg1043Gly (NM_001128839.3); short protein forms R1063G, R1043G.
Identifiers: ClinVar variation 2826877 (VCV002826877.3), dbSNP rs185924781, ClinGen allele CA2454460.